The following is an entry in ClinVar:

ClinVar aggregate classification (germline): Pathogenic. Review status: criteria provided, multiple submitters, no conflicts (2 of 4 stars). 2 submissions from 2 submitters: Pathogenic (2). Last evaluated 2025-07-27.

Conditions:
Primary ciliary dyskinesia 3. Identifiers: Orphanet 244, MedGen C1837618, MONDO:0012085, OMIM 608644.
Primary ciliary dyskinesia. Also called: Ciliary dyskinesia. Identifiers: Orphanet 244, MedGen C0008780, MONDO:0016575, HP:0012265.

gnomAD v4.1: 2 of 1,611,672 alleles (0.00012%); highest among the groups gnomAD compares: South Asian, 0.0022%; no homozygotes.

Submissions (2):

Myriad Genetics, Inc.
Classification: Pathogenic for Primary ciliary dyskinesia 3. Last evaluated: 2025-07-27. Review status: criteria provided, single submitter. Criteria: Myriad Autosomal Dominant, Autosomal Recessive and X-Linked Classification Criteria (2023). Collection method: clinical testing. Allele origin: unknown.
Comment: NM_001369.2(DNAH5):c.7821T>G(Y2607*) is expected to be pathogenic in the context of primary ciliary dyskinesia, DNAH5-related. This variant is predicted to lead to an abnormal or absent protein product due to the creation of a premature termination codon in DNAH5, a gene where loss-of-function variants are known to be pathogenic. Please note: this variant was assessed in the context of healthy population screening.

Labcorp Genetics (formerly Invitae), Labcorp
Classification: Pathogenic for Primary ciliary dyskinesia. Last evaluated: 2023-10-13. Review status: criteria provided, single submitter. Criteria: Invitae Variant Classification Sherloc (09022015). Collection method: clinical testing. Allele origin: germline.
Comment: This sequence change creates a premature translational stop signal (p.Tyr2607*) in the DNAH5 gene. It is expected to result in an absent or disrupted protein product. Loss-of-function variants in DNAH5 are known to be pathogenic (PMID: 11788826, 16627867). This variant is not present in population databases (gnomAD no frequency). This variant has not been reported in the literature in individuals affected with DNAH5-related conditions. ClinVar contains an entry for this variant (Variation ID: 1076690). For these reasons, this variant has been classified as Pathogenic.

Literature cited by the submitters: PubMed 11788826 (cited by Labcorp Genetics (formerly Invitae), Labcorp); PubMed 16627867 (cited by Labcorp Genetics (formerly Invitae), Labcorp).

NM_001369.3(DNAH5):c.7821T>G (p.Tyr2607Ter)

Gene: DNAH5 (dynein axonemal heavy chain 5; minus strand). Cytogenetic location: 5p15.2.
Variant type: single nucleotide variant.
Coding change: c.7821T>G on transcript NM_001369.3 (MANE Select); coding-DNA position 7821, T replaced by G.
Protein change: p.Tyr2607Ter; replaces tyrosine 2607 with a stop codon.
Molecular consequence: nonsense.
Genome position (GRCh38, 1-based): chr5:13,807,657, A>C on the plus strand (T>G on the coding strand, the complement: DNAH5 is on the minus strand). VCF-style: chr5-13807657-A-C. GRCh37 (hg19) VCF-style: chr5-13807766-A-C.
Other names: short protein forms Y2607*.
Identifiers: ClinVar variation 1076690 (VCV001076690.8), dbSNP rs2126996872, ClinGen allele CA359228212.